The following is an entry in ClinVar:

NM_001244008.2(KIF1A):c.1529C>T (p.Pro510Leu)

Gene: KIF1A (kinesin family member 1A; minus strand). Cytogenetic location: 2q37.3.
Variant type: single nucleotide variant.
Coding change: c.1529C>T on transcript NM_001244008.2 (MANE Select); coding-DNA position 1529, C replaced by T.
Protein change: p.Pro510Leu; replaces proline 510 with leucine.
Molecular consequence: missense variant.
Genome position (GRCh38, 1-based): chr2:240,767,314, G>A on the plus strand (C>T on the coding strand, the complement: KIF1A is on the minus strand). VCF-style: chr2-240767314-G-A. GRCh37 (hg19) VCF-style: chr2-241706731-G-A.
Other names: c.1529C>T, p.Pro510Leu (NM_001320705.2, NM_001330289.2, NM_001379638.1); c.1604C>T, p.Pro535Leu (NM_001330290.2, NM_001379631.1, NM_001379634.1 and 2 more transcripts); c.1502C>T, p.Pro501Leu (NM_001379632.1, NM_001379633.1, NM_001379636.1 and 10 more transcripts); c.1577C>T, p.Pro526Leu (NM_001379637.1, NM_001379648.1); short protein forms P501L, P510L, P526L, P535L.
Identifiers: ClinVar variation 3761293 (VCV003761293.2).

ClinVar aggregate classification (germline): Uncertain significance (1 of 4 stars; one submission).

Conditions:
Neuropathy, hereditary sensory, type 2C. Also called: KIF1A-Related HSAN2 (HSAN2C); Hereditary sensory and autonomic neuropathy type IIC. Identifiers: Orphanet 970, MedGen C3280168, MONDO:0013634, OMIM 614213.
Hereditary spastic paraplegia 30. Identifiers: Orphanet 101010, MedGen C5235139, MONDO:0012476.
Intellectual disability, autosomal dominant 9 (NESCAVS). Also called: KIF1A-Related Neurodevelopmental Disorder; NESCAV SYNDROME. Identifiers: Orphanet 662367, MedGen C5393830, MONDO:0013656, OMIM 614255.

gnomAD v4.1: 1 of 1,613,724 alleles (0.000062%); highest among the groups gnomAD compares: Non-Finnish European, 0.000085%; no homozygotes.

Submission:

Labcorp Genetics (formerly Invitae), Labcorp
Classification: Uncertain significance for Hereditary spastic paraplegia 30; Neuropathy, hereditary sensory, type 2C; Intellectual disability, autosomal dominant 9. Last evaluated: 2024-09-08. Review status: criteria provided, single submitter. Criteria: Invitae Variant Classification Sherloc (09022015). Collection method: clinical testing. Allele origin: germline.
Comment: This sequence change replaces proline, which is neutral and non-polar, with leucine, which is neutral and non-polar, at codon 501 of the KIF1A protein (p.Pro501Leu). This variant is not present in population databases (gnomAD no frequency). This variant has not been reported in the literature in individuals affected with KIF1A-related conditions. Invitae Evidence Modeling of protein sequence and biophysical properties (such as structural, functional, and spatial information, amino acid conservation, physicochemical variation, residue mobility, and thermodynamic stability) indicates that this missense variant is expected to disrupt KIF1A protein function with a positive predictive value of 95%. In summary, the available evidence is currently insufficient to determine the role of this variant in disease. Therefore, it has been classified as a Variant of Uncertain Significance.